The following is an entry in ClinVar:

ClinVar aggregate classification (germline): Uncertain significance (1 of 4 stars; one submission).

gnomAD v4.1: 13 of 1,613,804 alleles (0.00081%); highest among the groups gnomAD compares: Non-Finnish European, 0.0011%; no homozygotes.

Submission:

Labcorp Genetics (formerly Invitae), Labcorp
Classification: Uncertain significance. Last evaluated: 2024-03-28. Review status: criteria provided, single submitter. Criteria: Invitae Variant Classification Sherloc (09022015). Collection method: clinical testing. Allele origin: germline.
Comment: This sequence change replaces serine, which is neutral and polar, with alanine, which is neutral and non-polar, at codon 667 of the ACAN protein (p.Ser667Ala). This variant is present in population databases (rs760924730, gnomAD 0.0009%). This variant has not been reported in the literature in individuals affected with ACAN-related conditions. Advanced modeling of protein sequence and biophysical properties (such as structural, functional, and spatial information, amino acid conservation, physicochemical variation, residue mobility, and thermodynamic stability) performed at Invitae indicates that this missense variant is not expected to disrupt ACAN protein function with a negative predictive value of 80%. In summary, the available evidence is currently insufficient to determine the role of this variant in disease. Therefore, it has been classified as a Variant of Uncertain Significance.

NM_001369268.1(ACAN):c.1999T>G (p.Ser667Ala)

Gene: ACAN (aggrecan; plus strand). Cytogenetic location: 15q26.1.
Variant type: single nucleotide variant.
Coding change: c.1999T>G on transcript NM_001369268.1 (MANE Select); coding-DNA position 1999, T replaced by G.
Protein change: p.Ser667Ala; replaces serine 667 with alanine.
Molecular consequence: missense variant.
Genome position (GRCh38, 1-based): chr15:88,849,704, T>G. VCF-style: chr15-88849704-T-G. GRCh37 (hg19) VCF-style: chr15-89392935-T-G.
Other names: c.1999T>G, p.Ser667Ala (NM_001135.4, NM_001411096.1, NM_001411097.1 and 1 more transcripts); short protein forms S667A.
Identifiers: ClinVar variation 3612896 (VCV003612896.2).